The following is an entry in ClinVar:

NM_001065.4(TNFRSF1A):c.473-33T>C

Gene: TNFRSF1A (TNF receptor superfamily member 1A; minus strand). Cytogenetic location: 12p13.31.
Variant type: single nucleotide variant.
Coding change: c.473-33T>C on transcript NM_001065.4 (MANE Select); 33 bases into the intron before coding-DNA position 473, T replaced by C.
Molecular consequence: intron variant.
Genome position (GRCh38, 1-based): chr12:6,333,180, A>G on the plus strand (T>C on the coding strand, the complement: TNFRSF1A is on the minus strand). VCF-style: chr12-6333180-A-G. GRCh37 (hg19) VCF-style: chr12-6442346-A-G.
Other names: c.149-33T>C (NM_001346091.2); c.-105-33T>C (NM_001346092.2).
Identifiers: ClinVar variation 1166190 (VCV001166190.11), dbSNP rs1800692, ClinGen allele CA6405492.
Genomic context (GRCh38, chr12:6,333,180, plus strand): 5'-GTGCACACGGTGTTCTGTTTCTCCTGGCCTGTAGGGAGAAGTGCGGCACAGCTAAAGGAG[A>G]AGCGCCTGCACCCCCACCCCACAGGACAGAGGAAGTGACGAGGGACAGGGTGGGGGCGGC-3'

ClinVar aggregate classification (germline): Benign. Review status: criteria provided, multiple submitters, no conflicts (2 of 4 stars). 4 submissions from 4 submitters: Benign (4). Last evaluated 2026-01-26.

Conditions:
TNF receptor-associated periodic fever syndrome (TRAPS) (FPF). Also called: FAMILIAL HIBERNIAN FEVER; TNF RECEPTOR-ASSOCIATED PERIODIC SYNDROME; TUMOR NECROSIS FACTOR RECEPTOR-ASSOCIATED PERIODIC SYNDROME; TNF Receptor-Associated Periodic Fever Syndrome; TNF receptor 1-associated periodic fever syndrome; Autosomal Dominant Familial Periodic Fever. Identifiers: Orphanet 32960, MedGen C1275126, MONDO:0007727, OMIM 142680.

Allele frequency attached by ClinVar (database versions not stated): gnomAD exomes 0.61082 and 0.64442; ExAC 0.66646; ESP Exome Variant Server 0.70037; gnomAD 0.70330 and 0.70815; 1000 Genomes Project 0.71266; TOPMed 0.71331; 1000 Genomes Project 30x 0.72158.
gnomAD v4.1: 997,495 of 1,608,846 alleles (62%); highest among the groups gnomAD compares: African/African-American, 92%; 314,795 homozygotes.

Submissions (4):

Labcorp Genetics (formerly Invitae), Labcorp
Classification: Benign for TNF receptor-associated periodic fever syndrome (TRAPS). Last evaluated: 2026-01-26. Review status: criteria provided, single submitter. Criteria: Invitae Variant Classification Sherloc (09022015). Collection method: clinical testing. Allele origin: germline.

Unidad de Genómica Garrahan, Hospital de Pediatría Garrahan
Classification: Benign. Last evaluated: 2023-11-12. Review status: criteria provided, single submitter. Criteria: ACMG Guidelines, 2015. Collection method: clinical testing. Allele origin: germline. Affected: no. Observed: 89 variant alleles.
Comment: This variant is classified as Benign based on local population frequency. This variant was detected in 93% of patients studied by a panel of primary immunodeficiencies. Number of patients: 89. Only high quality variants are reported.

GeneDx
Classification: Benign. Last evaluated: 2015-03-03. Review status: criteria provided, single submitter. Criteria: GeneDx Variant Classification Process June 2021. Collection method: clinical testing. Allele origin: germline. Affected: yes.
Comment: This variant is associated with the following publications: (PMID: 23505244)

Breakthrough Genomics
Classification: Benign. Review status: criteria provided, single submitter. Criteria: ACMG Guidelines, 2015. Collection method: not provided. Allele origin: germline. Inheritance: Autosomal dominant inheritance. Affected: yes.